The following is an entry in ClinVar:

NM_016222.4(DDX41):c.1549+4A>G

Gene: DDX41 (DEAD-box helicase 41; minus strand). Cytogenetic location: 5q35.3.
Variant type: single nucleotide variant.
Coding change: c.1549+4A>G on transcript NM_016222.4 (MANE Select); 4 bases into the intron after coding-DNA position 1549, A replaced by G.
Molecular consequence: intron variant.
Genome position (GRCh38, 1-based): chr5:177,512,492, T>C on the plus strand (A>G on the coding strand, the complement: DDX41 is on the minus strand). VCF-style: chr5-177512492-T-C. GRCh37 (hg19) VCF-style: chr5-176939493-T-C.
Other names: c.1171+4A>G (NM_001321830.2, NM_001321732.2).
Identifiers: ClinVar variation 3676521 (VCV003676521.2).
Genomic context (GRCh38, chr5:177,512,492, plus strand): 5'-ACACTAGGGGCCTGGCTTGGCCCTTTTCCGGCCTAACCCATGCCCTTGGGCCCCAGGCTC[T>C]TACCATAGTTCTCAATCTCCTCTGGCATGTCATAATTGATGACGTGCTGGATGGCAGGGA-3'

ClinVar aggregate classification (germline): Uncertain significance (1 of 4 stars; one submission).

Submission:

Labcorp Genetics (formerly Invitae), Labcorp
Classification: Uncertain significance. Last evaluated: 2024-11-26. Review status: criteria provided, single submitter. Criteria: Invitae Variant Classification Sherloc (09022015). Collection method: clinical testing. Allele origin: germline.
Comment: This sequence change falls in intron 14 of the DDX41 gene. It does not directly change the encoded amino acid sequence of the DDX41 protein. It affects a nucleotide within the consensus splice site. This variant is not present in population databases (gnomAD no frequency). This variant has not been reported in the literature in individuals affected with DDX41-related conditions. Variants that disrupt the consensus splice site are a relatively common cause of aberrant splicing (PMID: 17576681, 9536098). Algorithms developed to predict the effect of sequence changes on RNA splicing suggest that this variant is not likely to affect RNA splicing. In summary, the available evidence is currently insufficient to determine the role of this variant in disease. Therefore, it has been classified as a Variant of Uncertain Significance.

Literature cited by the submitters: PubMed 17576681; PubMed 9536098.